The following is an entry in ClinVar:

NM_000038.6(APC):c.673G>A (p.Glu225Lys)

Gene: APC (APC regulator of Wnt signaling pathway; plus strand). Cytogenetic location: 5q22.2.
Variant type: single nucleotide variant.
Coding change: c.673G>A on transcript NM_000038.6 (MANE Select); coding-DNA position 673, G replaced by A.
Protein change: p.Glu225Lys; replaces glutamic acid 225 with lysine.
Molecular consequence: missense variant. On other transcripts: 5 prime UTR variant (1), intron variant (2).
Genome position (GRCh38, 1-based): chr5:112,792,473, G>A. VCF-style: chr5-112792473-G-A. GRCh37 (hg19) VCF-style: chr5-112128170-G-A.
Other names: c.673G>A, p.Glu225Lys (NM_001127510.3, NM_001354895.2, NM_001354896.2 and 1 more transcripts); c.703G>A, p.Glu235Lys (NM_001354897.2, NM_001354902.2); c.598G>A, p.Glu200Lys (NM_001354898.2, NM_001354904.2); c.496G>A, p.Glu166Lys (NM_001354900.2, NM_001354901.2, NM_001354905.2); c.-363G>A (NM_001354906.2); c.676-8806G>A (NM_001127511.3); c.646-8806G>A (NM_001354899.2); short protein forms E225K, E166K, E200K, E235K.
Identifiers: ClinVar variation 490342 (VCV000490342.26), dbSNP rs768233232, ClinGen allele CA045959.

ClinVar aggregate classification (germline): Uncertain significance. Review status: criteria provided, multiple submitters, no conflicts (2 of 4 stars). 6 submissions from 6 submitters: Uncertain significance (6). Last evaluated 2025-09-27.

Conditions:
Familial adenomatous polyposis 1 (FAP1). Also called: POLYPOSIS, ADENOMATOUS INTESTINAL; FAMILIAL ADENOMATOUS POLYPOSIS 1, ATTENUATED. Identifiers: MedGen C2713442, MONDO:0021056, OMIM 175100. Disease mechanism: loss of function.
Classic or attenuated familial adenomatous polyposis. Identifiers: MedGen CN372698, MONDO:0021057.
Hereditary cancer-predisposing syndrome. Also called: Hereditary Cancer Syndrome; Neoplastic Syndromes, Hereditary; Tumor predisposition; Hereditary neoplastic syndrome. Identifiers: Orphanet 140162, MedGen C0027672, MeSH D009386, MONDO:0015356.

Allele frequency attached by ClinVar (database versions not stated): gnomAD exomes below 0.00001; ExAC 0.00001.
gnomAD v4.1: 10 of 1,610,796 alleles (0.00062%); highest among the groups gnomAD compares: South Asian, 0.0022%; no homozygotes.

Submissions (6):

Labcorp Genetics (formerly Invitae), Labcorp
Classification: Uncertain significance for Familial adenomatous polyposis 1. Last evaluated: 2025-09-27. Review status: criteria provided, single submitter. Criteria: Invitae Variant Classification Sherloc (09022015). Collection method: clinical testing. Allele origin: germline.
Comment: This sequence change replaces glutamic acid, which is acidic and polar, with lysine, which is basic and polar, at codon 225 of the APC protein (p.Glu225Lys). This variant is present in population databases (rs768233232, gnomAD 0.003%). This variant has not been reported in the literature in individuals affected with APC-related conditions. ClinVar contains an entry for this variant (Variation ID: 490342). Invitae Evidence Modeling of protein sequence and biophysical properties (such as structural, functional, and spatial information, amino acid conservation, physicochemical variation, residue mobility, and thermodynamic stability) indicates that this missense variant is not expected to disrupt APC protein function with a negative predictive value of 95%. In summary, the available evidence is currently insufficient to determine the role of this variant in disease. Therefore, it has been classified as a Variant of Uncertain Significance.

Ambry Genetics
Classification: Uncertain significance for Hereditary cancer-predisposing syndrome. Last evaluated: 2025-06-13. Review status: criteria provided, single submitter. Criteria: Ambry Variant Classification Scheme 2023. Collection method: clinical testing. Allele origin: germline.
Comment: The p.E225K variant (also known as c.673G>A), located in coding exon 6 of the APC gene, results from a G to A substitution at nucleotide position 673. The glutamic acid at codon 225 is replaced by lysine, an amino acid with similar properties. This amino acid position is highly conserved in available vertebrate species. In addition, in silico predictors for this gene do not accurately predict pathogenicity. Missense alterations in APC are not a common cause of disease (Spier I et al. Genet Med. 2024 Feb;26(2):100992). Based on the available evidence, the clinical significance of this variant remains unclear.

All of Us Research Program, National Institutes of Health
Classification: Uncertain significance for Classic or attenuated familial adenomatous polyposis. Last evaluated: 2023-11-20. Review status: criteria provided, single submitter. Criteria: ACMG Guidelines, 2015. Collection method: clinical testing. Allele origin: germline. Inheritance: Autosomal dominant inheritance. Observed: 1 variant allele, 1 heterozygote.
Comment: This missense variant replaces glutamic acid with lysine at codon 225 of the APC protein. Computational prediction is inconclusive regarding the impact of this variant on protein structure and function (internally defined REVEL score threshold 0.5 < inconclusive < 0.7, PMID: 27666373). To our knowledge, functional studies have not been reported for this variant. This variant has not been reported in individuals affected with APC-related disorders in the literature. This variant has been identified in 1/251030 chromosomes in the general population by the Genome Aggregation Database (gnomAD). The available evidence is insufficient to determine the role of this variant in disease conclusively. Therefore, this variant is classified as a Variant of Uncertain Significance.

This study involves interpretation of variants in research participants for the purpose of population health screening. Participant phenotype was not available at the time of variant classification. Additional details can be found in publication PMID: 35346344, PMCID: PMC8962531

Color Diagnostics, LLC DBA Color Health
Classification: Uncertain significance for Hereditary cancer-predisposing syndrome. Last evaluated: 2023-11-01. Review status: criteria provided, single submitter. Criteria: ACMG Guidelines, 2015. Collection method: clinical testing. Allele origin: germline.
Comment: This missense variant replaces glutamic acid with lysine at codon 225 of the APC protein. Computational prediction is inconclusive regarding the impact of this variant on protein structure and function (internally defined REVEL score threshold 0.5 < inconclusive < 0.7, PMID: 27666373). To our knowledge, functional studies have not been reported for this variant. This variant has not been reported in individuals affected with APC-related disorders in the literature. This variant has been identified in 1/251030 chromosomes in the general population by the Genome Aggregation Database (gnomAD). The available evidence is insufficient to determine the role of this variant in disease conclusively. Therefore, this variant is classified as a Variant of Uncertain Significance.

Baylor Genetics
Classification: Uncertain significance for Familial adenomatous polyposis 1. Last evaluated: 2023-08-24. Review status: criteria provided, single submitter. Criteria: ACMG Guidelines, 2015. Collection method: clinical testing. Allele origin: unknown.

MGZ Medical Genetics Center
Classification: Uncertain significance for Familial adenomatous polyposis 1. Last evaluated: 2022-07-28. Review status: criteria provided, single submitter. Criteria: ACMG Guidelines, 2015. Collection method: clinical testing. Allele origin: germline. Affected: yes. Observed: 1 variant allele.
Comment: ACMG criteria applied: PM2_SUP, PP3